The following is an entry in ClinVar:

NM_003476.5(CSRP3):c.524A>T (p.Asn175Ile)

Gene: CSRP3 (cysteine and glycine rich protein 3; minus strand). Cytogenetic location: 11p15.1.
Variant type: single nucleotide variant.
Coding change: c.524A>T on transcript NM_003476.5 (MANE Select); coding-DNA position 524, A replaced by T.
Protein change: p.Asn175Ile; replaces asparagine 175 with isoleucine.
Molecular consequence: missense variant.
Genome position (GRCh38, 1-based): chr11:19,182,731, T>A on the plus strand (A>T on the coding strand, the complement: CSRP3 is on the minus strand). VCF-style: chr11-19182731-T-A. GRCh37 (hg19) VCF-style: chr11-19204278-T-A.
Other names: c.355A>T, p.Ile119Phe (NM_001369404.1); short protein forms N175I, I119F.
Identifiers: ClinVar variation 4841431 (VCV004841431.1).

ClinVar aggregate classification (germline): Uncertain significance (1 of 4 stars; one submission).

Conditions:
Cardiovascular phenotype. Identifiers: MedGen CN230736.

Submission:

Ambry Genetics
Classification: Uncertain significance for Cardiovascular phenotype. Last evaluated: 2025-12-21. Review status: criteria provided, single submitter. Criteria: Ambry Variant Classification Scheme 2023. Collection method: clinical testing. Allele origin: germline.
Comment: The p.N175I variant (also known as c.524A>T), located in coding exon 5 of the CSRP3 gene, results from an A to T substitution at nucleotide position 524. The asparagine at codon 175 is replaced by isoleucine, an amino acid with dissimilar properties. This amino acid position is conserved. In addition, the in silico prediction for this alteration is inconclusive. Based on the available evidence, the clinical significance of this variant remains unclear.